The following is an entry in ClinVar:

ClinVar aggregate classification (germline): Conflicting classifications of pathogenicity. Review status: criteria provided, conflicting classifications (1 of 4 stars). 4 submissions from 4 submitters: Uncertain significance (1); Likely benign (2). 1 of the submissions does not count toward it. Last evaluated 2026-01-24.

Conditions:
Glycogen storage disease type III (GSD3). Also called: Cori disease; FORBES DISEASE. Identifiers: Orphanet 366, MedGen C0017922, MONDO:0009291, OMIM 232400.

Allele frequency attached by ClinVar (database versions not stated): gnomAD 0.00001; TOPMed 0.00001.

Submissions (4):

Labcorp Genetics (formerly Invitae), Labcorp
Classification: Likely benign for Glycogen storage disease type III. Last evaluated: 2026-01-24. Review status: criteria provided, single submitter. Criteria: Invitae Variant Classification Sherloc (09022015). Collection method: clinical testing. Allele origin: germline.

Clinical Genomics Laboratory, Stanford Medicine
Classification: Uncertain significance for Glycogen storage disease type III. Last evaluated: 2023-05-03. Review status: criteria provided, single submitter. Criteria: ACMG Guidelines, 2015. Collection method: clinical testing. Allele origin: germline. Observed: 1 variant allele, 1 heterozygote.
Comment: The p.Gln1447= variant in the AGL gene has not been previously reported in association with disease. This variant has been identified in 3/18,372 East Asian chromosomes (4/250,496 chromosomes overall) by the Genome Aggregation Database. Although this variant has been seen in the general population, its frequency is low enough to be consistent with a recessive carrier frequency. This variant is present in ClinVar (Accession: VCV000456504.9). The p.Gln1447= variant is a synonymous variant which is not expected to alter the AGL protein. Computational splicing tools do not agree on the predicted impact to splicing; however, the accuracy of in silico algorithms is limited. These data were assessed using the ACMG/AMP variant interpretation guidelines. In summary, the significance of the p.Gln1447= variant is uncertain. Additional information is needed to resolve the significance of this variant. [ACMG evidence codes used: PM2]

Blueprint Genetics
Classification: Likely benign. Last evaluated: 2022-07-13. Review status: criteria provided, single submitter. Criteria: ACMG Guidelines, 2015. Collection method: clinical testing. Allele origin: germline.

Natera, Inc.
Classification: Uncertain significance for Glycogen storage disease type III. Last evaluated: 2019-10-28. Review status: no assertion criteria provided. Collection method: clinical testing. Allele origin: germline. Not counted in ClinVar's aggregate classification.

NM_000642.3(AGL):c.4341A>G (p.Gln1447=)

Gene: AGL (amylo-alpha-1,6-glucosidase and 4-alpha-glucanotransferase; plus strand). Cytogenetic location: 1p21.2.
Variant type: single nucleotide variant.
Coding change: c.4341A>G on transcript NM_000642.3 (MANE Select); coding-DNA position 4341, A replaced by G.
Protein change: p.Gln1447=; no amino-acid change (glutamine 1447 retained).
Molecular consequence: synonymous variant.
Genome position (GRCh38, 1-based): chr1:99,916,491, A>G. VCF-style: chr1-99916491-A-G. GRCh37 (hg19) VCF-style: chr1-100382047-A-G.
Other names: c.4341A>G, p.Gln1447= (NM_000028.3, NM_000643.3, NM_000644.3 and 1 more transcripts); c.4293A>G, p.Gln1431= (NM_000646.3); c.4320A>G, p.Gln1440= (NM_001425326.1); c.4140A>G, p.Gln1380= (NM_001425327.1); c.4137A>G, p.Gln1379= (NM_001425328.1); c.4002A>G, p.Gln1334= (NM_001425329.1); c.3963A>G, p.Gln1321= (NM_001425332.1).
Identifiers: ClinVar variation 456504 (VCV000456504.12), dbSNP rs376486225, ClinGen allele CA967405.